The following is an entry in ClinVar:

ClinVar aggregate classification (germline): Likely pathogenic. Review status: criteria provided, multiple submitters, no conflicts (2 of 4 stars). 2 submissions from 2 submitters: Likely pathogenic (2). Last evaluated 2025-06-11.

Conditions:
Pelizaeus-Merzbacher disease. Also called: LEUKODYSTROPHY, HYPOMYELINATING, 1; Sudanophilic leukodystrophy; Pelizaeus-Merzbacher spectrum disorder; Pelizaeus-Merzbacher Disease (PMD); Pelizeaus-Merzbacher spectrum disorder. Identifiers: Orphanet 702, MedGen C0205711, MONDO:0010714, OMIM 312080, HP:0003269.

Submissions (2):

Women's Health and Genetics/Laboratory Corporation of America, LabCorp
Classification: Likely pathogenic for Pelizaeus-Merzbacher disease. Last evaluated: 2025-06-11. Review status: criteria provided, single submitter. Criteria: LabCorp Variant Classification Summary - May 2015. Collection method: clinical testing. Allele origin: germline.
Comment: Variant summary: PLP1 c.92T>G (p.Leu31Arg) results in a non-conservative amino acid change in the encoded protein sequence. Algorithms developed to predict the effect of missense changes on protein structure and function all suggest that this variant is likely to be disruptive. The variant was absent in 183410 control chromosomes. These data indicate that the variant may be associated with disease. One publication reports experimental evidence in vitro showing the variant impacts protein trafficking and the unfolded protein response, however, does not allow convincing conclusions about the variant effect (e.g. Cloake_2018). A different variant affecting the same codon has been classified as likely pathogenic/pathogenic by our lab (c.92T>C, p.Leu31Pro), supporting the critical relevance of codon 31 to PLP1 protein function. The following publications have been ascertained in the context of this evaluation (PMID: 30314286, 23347225, 16130097). ClinVar contains an entry for this variant (Variation ID: 3255461). Based on the evidence outlined above, the variant was classified as likely pathogenic.

Molecular Diagnostics Lab, Nemours Children's Health, Delaware
Classification: Likely pathogenic for Pelizaeus-Merzbacher disease. Last evaluated: 2022-03-28. Review status: criteria provided, single submitter. Criteria: ACMG Guidelines, 2015. Collection method: clinical testing. Allele origin: unknown. Inheritance: X-linked inheritance. Affected: yes. Observed: 1 heterozygote.
Comment: This missense variant (c.92T>G, p.Leu31Arg) has not been observed in population databases (gnomAD). It has been described in the literature (PMID 16130097). Variant prediction programs support a deleterious effect on the protein, but functional studies have not been reported.

Literature cited by the submitters: PubMed 30314286 (cited by Women's Health and Genetics/Laboratory Corporation of America, LabCorp); PubMed 23347225 (cited by Women's Health and Genetics/Laboratory Corporation of America, LabCorp); PubMed 16130097 (cited by Women's Health and Genetics/Laboratory Corporation of America, LabCorp and Molecular Diagnostics Lab, Nemours Children's Health, Delaware).

NM_000533.5(PLP1):c.92T>G (p.Leu31Arg)

Genes: PLP1 (proteolipid protein 1; plus strand), RAB9B (RAB9B, member RAS oncogene family; minus strand). Cytogenetic location: Xq22.2.
Variant type: single nucleotide variant.
Coding change: c.92T>G on transcript NM_000533.5 (MANE Select); coding-DNA position 92, T replaced by G.
Protein change: p.Leu31Arg; replaces leucine 31 with arginine.
Molecular consequence: missense variant. On other transcripts: intron variant (1).
Genome position (GRCh38, 1-based): chrX:103,785,669, T>G. VCF-style: chrX-103785669-T-G. GRCh37 (hg19) VCF-style: chrX-103040598-T-G.
Other names: c.92T>G, p.Leu31Arg (NM_001128834.3, NM_199478.3); c.5-78T>G (NM_001305004.1); short protein forms L31R.
Identifiers: ClinVar variation 3255461 (VCV003255461.3), dbSNP rs2522301288.
Genomic context (GRCh38, chrX:103,785,669, plus strand): 5'-TGGTAGGGGCCCCCTTTGCTTCCCTGGTGGCCACTGGATTGTGTTTCTTTGGGGTGGCAC[T>G]GTTCTGTGGCTGTGGACATGAAGCCCTCACTGGCACAGAAAAGCTAATTGAGACCTATTT-3'
Protein context (NP_000524.3, residues 21-41): ATGLCFFGVA[Leu31Arg]FCGCGHEALT